The following is an entry in ClinVar:

NM_024301.5(FKRP):c.1439A>T (p.Asn480Ile)

Gene: FKRP (fukutin related protein; plus strand). Cytogenetic location: 19q13.32.
Variant type: single nucleotide variant.
Coding change: c.1439A>T on transcript NM_024301.5 (MANE Select); coding-DNA position 1439, A replaced by T.
Protein change: p.Asn480Ile; replaces asparagine 480 with isoleucine.
Molecular consequence: missense variant.
Genome position (GRCh38, 1-based): chr19:46,756,889, A>T. VCF-style: chr19-46756889-A-T. GRCh37 (hg19) VCF-style: chr19-47260146-A-T.
Other names: c.1439A>T, p.Asn480Ile (NM_001039885.3); short protein forms N480I.
Identifiers: ClinVar variation 459231 (VCV000459231.20), dbSNP rs369666163, ClinGen allele CA9532321.

ClinVar aggregate classification (germline): Uncertain significance. Review status: criteria provided, multiple submitters, no conflicts (2 of 4 stars). 8 submissions from 8 submitters: Uncertain significance (7). 1 of the submissions does not count toward it. Last evaluated 2025-07-08.

Conditions:
Cardiovascular phenotype. Identifiers: MedGen CN230736.
Walker-Warburg congenital muscular dystrophy. Also called: Muscular dystrophy-dystroglycanopathy, type A; Walker-Warburg syndrome. Identifiers: Orphanet 899, MedGen C0265221, MONDO:0000171.
Muscular dystrophy-dystroglycanopathy type B5 (MDDGB5). Also called: MUSCULAR DYSTROPHY-DYSTROGLYCANOPATHY (CONGENITAL WITH OR WITHOUT IMPAIRED INTELLECTUAL DEVELOPMENT), TYPE B, 5; MUSCULAR DYSTROPHY, CONGENITAL, 1C; MUSCULAR DYSTROPHY, CONGENITAL, FKRP-RELATED. Identifiers: MedGen C1847759, MONDO:0011688, OMIM 606612.
Autosomal recessive limb-girdle muscular dystrophy type 2I. Also called: MUSCULAR DYSTROPHY-DYSTROGLYCANOPATHY (LIMB-GIRDLE), TYPE C, 5; MUSCULAR DYSTROPHY, LIMB-GIRDLE, TYPE 2I; MUSCULAR DYSTROPHY-DYSTROGLYCANOPATHY, LIMB-GIRDLE, FRKP-RELATED. Identifiers: Orphanet 34515, MedGen C1846672, MONDO:0011787, OMIM 607155.
Muscular dystrophy-dystroglycanopathy (congenital with brain and eye anomalies), type A1 (MDDGA1). Also called: COD-MD SYNDROME; Muscular dystrophy-dystroglycanopathy (congenital with brain and eye anomalies), type A, 1; WALKER-WARBURG SYNDROME OR MUSCLE-EYE-BRAIN DISEASE, POMT1-RELATED; Hydrocephalus, agyria and retinal dysplasia; Hard +/- E syndrome; Warburg syndrome. Identifiers: Orphanet 588, Orphanet 899, MedGen C4284790, MONDO:0009364, OMIM 236670.
Muscular dystrophy-dystroglycanopathy (congenital with brain and eye anomalies), type A5. Also called: MUSCULAR DYSTROPHY-DYSTROGLYCANOPATHY (CONGENITAL WITH BRAIN AND EYE ANOMALIES), TYPE A, 5; WALKER-WARBURG SYNDROME OR MUSCLE-EYE-BRAIN DISEASE, FKRP-RELATED. Identifiers: Orphanet 588, Orphanet 899, MedGen C3150413, MONDO:0013157, OMIM 613153.

Allele frequency attached by ClinVar (database versions not stated): gnomAD exomes 0.00001; gnomAD 0.00003; TOPMed 0.00009; ESP Exome Variant Server 0.00015.

Submissions (8):

Revvity Omics, Revvity
Classification: Uncertain significance. Last evaluated: 2025-07-08. Review status: criteria provided, single submitter. Criteria: ACMG Guidelines, 2015. Collection method: clinical testing. Allele origin: germline.

GeneDx
Classification: Uncertain significance. Last evaluated: 2024-10-30. Review status: criteria provided, single submitter. Criteria: GeneDx Variant Classification Process June 2021. Collection method: clinical testing. Allele origin: germline. Affected: yes.
Comment: Missense variants in this gene are a common cause of disease and they are underrepresented in the general population; In silico analysis supports that this missense variant has a deleterious effect on protein structure/function; Has not been previously published as pathogenic or benign to our knowledge; This variant is associated with the following publications: (PMID: 27439679)

Ambry Genetics
Classification: Uncertain significance for Cardiovascular phenotype. Last evaluated: 2024-02-25. Review status: criteria provided, single submitter. Criteria: Ambry Variant Classification Scheme 2023. Collection method: clinical testing. Allele origin: germline.
Comment: The p.N480I variant (also known as c.1439A>T), located in coding exon 1 of the FKRP gene, results from an A to T substitution at nucleotide position 1439. The asparagine at codon 480 is replaced by isoleucine, an amino acid with dissimilar properties. This alteration has been reported in an autism spectrum disorders cohort (Mercati O et al. Mol Psychiatry, 2017 04;22:625-633). This amino acid position is well conserved in available vertebrate species. In addition, the in silico prediction for this alteration is inconclusive. Since supporting evidence is limited at this time, the clinical significance of this alteration remains unclear.

Labcorp Genetics (formerly Invitae), Labcorp
Classification: Uncertain significance for Walker-Warburg congenital muscular dystrophy. Last evaluated: 2022-08-15. Review status: criteria provided, single submitter. Criteria: Invitae Variant Classification Sherloc (09022015). Collection method: clinical testing. Allele origin: germline.
Comment: This sequence change replaces asparagine, which is neutral and polar, with isoleucine, which is neutral and non-polar, at codon 480 of the FKRP protein (p.Asn480Ile). This variant is present in population databases (rs369666163, gnomAD 0.03%). This variant has not been reported in the literature in individuals affected with FKRP-related conditions. ClinVar contains an entry for this variant (Variation ID: 459231). Algorithms developed to predict the effect of missense changes on protein structure and function are either unavailable or do not agree on the potential impact of this missense change (SIFT: "Tolerated"; PolyPhen-2: "Possibly Damaging"; Align-GVGD: "Class C0"). In summary, the available evidence is currently insufficient to determine the role of this variant in disease. Therefore, it has been classified as a Variant of Uncertain Significance.

Fulgent Genetics
Classification: Uncertain significance for Muscular dystrophy-dystroglycanopathy (congenital with brain and eye anomalies), type A1; Muscular dystrophy-dystroglycanopathy type B5; Autosomal recessive limb-girdle muscular dystrophy type 2I; Muscular dystrophy-dystroglycanopathy (congenital with brain and eye anomalies), type A5. Last evaluated: 2021-08-24. Review status: criteria provided, single submitter. Criteria: ACMG Guidelines, 2015. Collection method: clinical testing. Allele origin: unknown.

Mayo Clinic Laboratories, Mayo Clinic
Classification: Uncertain significance. Last evaluated: 2019-07-07. Review status: criteria provided, single submitter. Criteria: ACMG Guidelines, 2015. Collection method: clinical testing. Allele origin: germline. Observed: 1 variant allele.

Eurofins Ntd Llc (ga)
Classification: Uncertain significance. Last evaluated: 2016-10-04. Review status: criteria provided, single submitter. Criteria: EGL Classification Definitions 2015. Collection method: clinical testing. Allele origin: germline. Observed: 1 variant allele, 1 heterozygote.

Natera, Inc.
Classification: Uncertain significance for Limb-girdle muscular dystrophy type 2I. Last evaluated: 2020-10-29. Review status: no assertion criteria provided. Collection method: clinical testing. Allele origin: germline. Not counted in ClinVar's aggregate classification.

Literature cited by the submitters: PubMed 27166760 (cited by Ambry Genetics).